The following is an entry in ClinVar:

ClinVar aggregate classification (germline): Uncertain significance (1 of 4 stars; one submission).

Allele frequency attached by ClinVar (database versions not stated): gnomAD exomes below 0.00001; gnomAD 0.00001; ExAC 0.00002.
gnomAD v4.1: 2 of 1,614,144 alleles (0.00012%); no homozygotes.

Submission:

GeneDx
Classification: Uncertain significance. Last evaluated: 2022-03-17. Review status: criteria provided, single submitter. Criteria: GeneDx Variant Classification Process June 2021. Collection method: clinical testing. Allele origin: germline. Affected: yes.
Comment: Not observed at significant frequency in large population cohorts (gnomAD); Missense variants in this gene are often considered pathogenic (HGMD); In silico analysis supports that this missense variant has a deleterious effect on protein structure/function; This substitution is predicted to be in the cytoplasmic loop between the second and third homologous domains; Has not been previously published as pathogenic or benign to our knowledge

NM_001040142.2(SCN2A):c.3164A>G (p.Asn1055Ser)

Gene: SCN2A (sodium voltage-gated channel alpha subunit 2; plus strand). Cytogenetic location: 2q24.3.
Variant type: single nucleotide variant.
Coding change: c.3164A>G on transcript NM_001040142.2 (MANE Select); coding-DNA position 3164, A replaced by G.
Protein change: p.Asn1055Ser; replaces asparagine 1055 with serine.
Molecular consequence: missense variant.
Genome position (GRCh38, 1-based): chr2:165,354,436, A>G. VCF-style: chr2-165354436-A-G. GRCh37 (hg19) VCF-style: chr2-166210946-A-G.
Other names: c.3164A>G, p.Asn1055Ser (NM_001040143.2, NM_001371246.1, NM_001371247.1 and 1 more transcripts); short protein forms N1055S.
Identifiers: ClinVar variation 1706250 (VCV001706250.2), dbSNP rs780269505, ClinGen allele CA1940066.